The following is an entry in ClinVar:

NM_001134831.2(AHI1):c.1514dup (p.Arg506fs)

Gene: AHI1 (Abelson helper integration site 1; minus strand). Cytogenetic location: 6q23.3.
Variant type: Duplication.
Coding change: c.1514dup on transcript NM_001134831.2 (MANE Select); coding-DNA position 1514, one base duplicated (C; older notation c.1514dupC).
Protein change: p.Arg506fs; shifts the reading frame from arginine 506.
Molecular consequence: frameshift variant.
Genome position (GRCh38, 1-based): chr6:135,448,402, G duplicated on the plus strand (C on the coding strand, the reverse complement: AHI1 is on the minus strand); the first of 2 consecutive G bases (chr6:135,448,402-135,448,403); duplicating either gives the same sequence. VCF-style (leftmost placement, unchanged base first): chr6-135448401-A-AG. GRCh37 (hg19) VCF-style: chr6-135769539-A-AG.
Other names: c.1514dup, p.Arg506fs (NM_001134830.2, NM_001134832.2, NM_001350503.2 and 2 more transcripts); short protein forms R506fs.
Identifiers: ClinVar variation 5016256 (VCV005016256.1).
Genomic context (GRCh38, chr6:135,448,401, plus strand): 5'-ATGATTTCTTGGACATTTTGACCACCATTCAAATGCCTCAACAACACTTAATGGGGATCG[A>AG]GGCTTAGTAGGTGGGTAATATAGCTGCAAGCGAAGTTTTGAGTTGATGTTTGCATTTCCA-3'

ClinVar aggregate classification (germline): Pathogenic (1 of 4 stars; one submission).

Conditions:
Joubert syndrome 3 (JBTS3). Also called: AHI1-related Ciliopathy. Identifiers: Orphanet 220493, MedGen C1837713, MONDO:0012078, OMIM 608629.

Submission:

Myriad Genetics, Inc.
Classification: Pathogenic for Joubert syndrome 3. Last evaluated: 2026-08-20. Review status: criteria provided, single submitter. Criteria: Myriad Autosomal Dominant, Autosomal Recessive and X-Linked Classification Criteria (2023). Collection method: clinical testing. Allele origin: unknown.
Comment: NM_001134831.1(AHI1):c.1514dupC(R506Sfs*8) is expected to be pathogenic in the context of Joubert syndrome, AHI1-related. This variant is predicted to lead to an abnormal or absent protein product due to the creation of a premature termination codon in AHI1, a gene where loss-of-function variants are known to be pathogenic. Please note: this variant was assessed in the context of healthy population screening.